The following is an entry in ClinVar:

NM_001035.3(RYR2):c.274-100G>T

Gene: RYR2 (ryanodine receptor 2; plus strand). Cytogenetic location: 1q43.
Variant type: single nucleotide variant.
Coding change: c.274-100G>T on transcript NM_001035.3 (MANE Select); 100 bases into the intron before coding-DNA position 274, G replaced by T.
Molecular consequence: intron variant.
Genome position (GRCh38, 1-based): chr1:237,355,865, G>T. VCF-style: chr1-237355865-G-T. GRCh37 (hg19) VCF-style: chr1-237519165-G-T.
Identifiers: ClinVar variation 671261 (VCV000671261.2), dbSNP rs10925382, ClinGen allele CA15145964.

ClinVar aggregate classification (germline): Benign. Review status: criteria provided, multiple submitters, no conflicts (2 of 4 stars). 2 submissions from 2 submitters: Benign (2). Last evaluated 2018-06-18.

Allele frequency attached by ClinVar (database versions not stated): 1000 Genomes Project 30x 0.18395; 1000 Genomes Project 0.18690; TOPMed 0.19609.
gnomAD v4.1: 219,850 of 1,057,470 alleles (21%); highest among the groups gnomAD compares: East Asian, 40%; 24,728 homozygotes.

Submissions (2):

GeneDx
Classification: Benign. Last evaluated: 2018-06-18. Review status: criteria provided, single submitter. Criteria: GeneDx Variant Classification (06012015). Collection method: clinical testing. Allele origin: germline. Affected: yes.
Comment: This variant is considered likely benign or benign based on one or more of the following criteria: it is a conservative change, it occurs at a poorly conserved position in the protein, it is predicted to be benign by multiple in silico algorithms, and/or has population frequency not consistent with disease.

Breakthrough Genomics
Classification: Benign. Review status: criteria provided, single submitter. Criteria: ACMG Guidelines, 2015. Collection method: not provided. Allele origin: germline. Inheritance: Autosomal dominant inheritance. Affected: yes.